The following is an entry in ClinVar:

ClinVar aggregate classification (germline): Uncertain significance (1 of 4 stars; one submission).

Conditions:
Snijders blok-fisher syndrome. Identifiers: Orphanet 656135, MedGen C5231424, MONDO:0032830, OMIM 618604.

Submission:

Laboratorio de Genetica e Diagnostico Molecular, Hospital Israelita Albert Einstein
Classification: Uncertain significance for Snijders blok-fisher syndrome. Last evaluated: 2025-10-27. Review status: criteria provided, single submitter. Criteria: ACMG Guidelines, 2015. Collection method: clinical testing. Allele origin: germline. Affected: yes.
Comment: ACMG classification criteria: PM2 supporting, PM4 supporting

NM_006236.3(POU3F3):c.413_418dup (p.Pro139_Pro140insGlnPro)

Gene: POU3F3 (POU class 3 homeobox 3; plus strand). Cytogenetic location: 2q12.1.
Variant type: Duplication.
Coding change: c.413_418dup on transcript NM_006236.3 (MANE Select); coding-DNA positions 413 to 418, 6 bases duplicated (AGCCGC; older notation c.413_418dupAGCCGC).
Protein change: p.Pro139_Pro140insGlnPro.
Genome position (GRCh38, 1-based): chr2:104,855,923-104,855,928, AGCCGC duplicated; duplicating any 6 consecutive bases within chr2:104,855,919-104,855,928 gives the same sequence; the c. name uses the placement nearest the transcript's 3' end. VCF-style (leftmost placement, unchanged base first): chr2-104855918-A-ACCGCAG. GRCh37 (hg19) VCF-style: chr2-105472376-A-ACCGCAG.
Other names: c.413_418dup, p.Pro139_Pro140insGlnPro (NM_001433704.1).
Identifiers: ClinVar variation 4846905 (VCV004846905.1).
Genomic context (GRCh38, chr2:104,855,918, plus strand): 5'-GGAGGCGAGCTCGCCGTGGTCGGGCAGCGCCGTGGGCATGGCTGGCAGCCCCCAGCAGCC[A>ACCGCAG]CCGCAGCCGCCGCCGCCACCGCCGCAGGGCCCCGACGTGAAGGGCGGCGCCGGGCGCGAC-3'